The following is an entry in ClinVar:

NM_005502.4(ABCA1):c.3994C>G (p.Leu1332Val)

Gene: ABCA1 (ATP binding cassette subfamily A member 1; minus strand). Cytogenetic location: 9q31.1.
Variant type: single nucleotide variant.
Coding change: c.3994C>G on transcript NM_005502.4 (MANE Select); coding-DNA position 3994, C replaced by G.
Protein change: p.Leu1332Val; replaces leucine 1332 with valine.
Molecular consequence: missense variant.
Genome position (GRCh38, 1-based): chr9:104,812,630, G>C on the plus strand (C>G on the coding strand, the complement: ABCA1 is on the minus strand). VCF-style: chr9-104812630-G-C. GRCh37 (hg19) VCF-style: chr9-107574911-G-C.
Other names: short protein forms L1332V.
Identifiers: ClinVar variation 2587843 (VCV002587843.2), dbSNP rs2538113157, ClinGen allele CA374317094.

ClinVar aggregate classification (germline): Uncertain significance (1 of 4 stars; one submission).

Conditions:
Cardiovascular phenotype. Identifiers: MedGen CN230736.

Allele frequency attached by ClinVar (database versions not stated): gnomAD exomes 0.00001.
gnomAD v4.1: 8 of 1,614,178 alleles (0.0005%); highest among the groups gnomAD compares: Non-Finnish European, 0.00068%; no homozygotes.

Submission:

Ambry Genetics
Classification: Uncertain significance for Cardiovascular phenotype. Last evaluated: 2023-07-12. Review status: criteria provided, single submitter. Criteria: Ambry Variant Classification Scheme 2023. Collection method: clinical testing. Allele origin: germline.
Comment: The p.L1332V variant (also known as c.3994C>G), located in coding exon 27 of the ABCA1 gene, results from a C to G substitution at nucleotide position 3994. The leucine at codon 1332 is replaced by valine, an amino acid with highly similar properties. This amino acid position is conserved. In addition, this alteration is predicted to be deleterious by in silico analysis. Since supporting evidence is limited at this time, the clinical significance of this alteration remains unclear.